The following is an entry in ClinVar:

ClinVar aggregate classification (germline): Uncertain significance (1 of 4 stars; one submission).

Conditions:
Developmental and epileptic encephalopathy, 12 (DEE12). Identifiers: MedGen C3150988, MONDO:0013389, OMIM 613722.

Submission:

Labcorp Genetics (formerly Invitae), Labcorp
Classification: Uncertain significance for Developmental and epileptic encephalopathy, 12. Last evaluated: 2019-01-28. Review status: criteria provided, single submitter. Criteria: Invitae Variant Classification Sherloc (09022015). Collection method: clinical testing. Allele origin: germline.
Comment: In summary, the available evidence is currently insufficient to determine the role of this variant in disease. Therefore, it has been classified as a Variant of Uncertain Significance. Algorithms developed to predict the effect of missense changes on protein structure and function (SIFT, PolyPhen-2, Align-GVGD) all suggest that this variant is likely to be tolerated, but these predictions have not been confirmed by published functional studies and their clinical significance is uncertain. This variant has not been reported in the literature in individuals with PLCB1-related conditions. This variant is not present in population databases (ExAC no frequency). This sequence change replaces glutamine with arginine at codon 268 of the PLCB1 protein (p.Gln268Arg). The glutamine residue is moderately conserved and there is a small physicochemical difference between glutamine and arginine.

NM_015192.4(PLCB1):c.803A>G (p.Gln268Arg)

Gene: PLCB1 (phospholipase C beta 1; plus strand). Cytogenetic location: 20p12.3.
Variant type: single nucleotide variant.
Coding change: c.803A>G on transcript NM_015192.4 (MANE Select); coding-DNA position 803, A replaced by G.
Protein change: p.Gln268Arg; replaces glutamine 268 with arginine.
Molecular consequence: missense variant.
Genome position (GRCh38, 1-based): chr20:8,658,645, A>G. VCF-style: chr20-8658645-A-G. GRCh37 (hg19) VCF-style: chr20-8639292-A-G.
Other names: c.803A>G, p.Gln268Arg (NM_182734.3); short protein forms Q268R.
Identifiers: ClinVar variation 834777 (VCV000834777.10), dbSNP rs1989533526, ClinGen allele CA408264276.